The following is an entry in ClinVar:

ClinVar aggregate classification (germline): Uncertain significance (1 of 4 stars; one submission).

Conditions:
Ehlers-Danlos syndrome, classic type, 1 (EDSCL1). Also called: EHLERS-DANLOS SYNDROME, GRAVIS TYPE; EHLERS-DANLOS SYNDROME, SEVERE CLASSIC TYPE; Ehlers-Danlos syndrome, type 1; Ehlers-Danlos Syndrome, Classic Type, COL5A1-Related; EDS I. Identifiers: MedGen C0268335, MONDO:0019567, OMIM 130000.

Submission:

Labcorp Genetics (formerly Invitae), Labcorp
Classification: Uncertain significance for Ehlers-Danlos syndrome, classic type, 1. Last evaluated: 2024-07-26. Review status: criteria provided, single submitter. Criteria: Invitae Variant Classification Sherloc (09022015). Collection method: clinical testing. Allele origin: germline.
Comment: This sequence change replaces aspartic acid, which is acidic and polar, with glycine, which is neutral and non-polar, at codon 1286 of the COL5A2 protein (p.Asp1286Gly). This variant is not present in population databases (gnomAD no frequency). This variant has not been reported in the literature in individuals affected with COL5A2-related conditions. Advanced modeling of protein sequence and biophysical properties (such as structural, functional, and spatial information, amino acid conservation, physicochemical variation, residue mobility, and thermodynamic stability) performed at Invitae indicates that this missense variant is expected to disrupt COL5A2 protein function with a positive predictive value of 80%. In summary, the available evidence is currently insufficient to determine the role of this variant in disease. Therefore, it has been classified as a Variant of Uncertain Significance.

NM_000393.5(COL5A2):c.3857A>G (p.Asp1286Gly)

Gene: COL5A2 (collagen type V alpha 2 chain; minus strand). Cytogenetic location: 2q32.2.
Variant type: single nucleotide variant.
Coding change: c.3857A>G on transcript NM_000393.5 (MANE Select); coding-DNA position 3857, A replaced by G.
Protein change: p.Asp1286Gly; replaces aspartic acid 1286 with glycine.
Molecular consequence: missense variant.
Genome position (GRCh38, 1-based): chr2:189,039,340, T>C on the plus strand (A>G on the coding strand, the complement: COL5A2 is on the minus strand). VCF-style: chr2-189039340-T-C. GRCh37 (hg19) VCF-style: chr2-189904066-T-C.
Other names: short protein forms D1286G.
Identifiers: ClinVar variation 3703821 (VCV003703821.2).
Genomic context (GRCh38, chr2:189,039,340, plus strand): 5'-TTTGCGGAATGGCAAAGCTTTAGGTCATCACACGTGCGGGCTGGGTGCTTTTTCGAGCCA[T>C]CGGGGCTGCGCATGGTTTCAATCTGACTACTGAGTGACTTCAGGGTAGCATGAACCCCTG-3'
Protein context (NP_000384.2, residues 1276-1296): SSQIETMRSP[Asp1286Gly]GSKKHPARTC